The following is an entry in ClinVar:

NM_001943.5(DSG2):c.60T>C (p.Val20=)

Gene: DSG2 (desmoglein 2; plus strand). Cytogenetic location: 18q12.1.
Variant type: single nucleotide variant.
Coding change: c.60T>C on transcript NM_001943.5 (MANE Select); coding-DNA position 60, T replaced by C.
Protein change: p.Val20=; no amino-acid change (valine 20 retained).
Molecular consequence: synonymous variant.
Genome position (GRCh38, 1-based): chr18:31,518,253, T>C. VCF-style: chr18-31518253-T-C. GRCh37 (hg19) VCF-style: chr18-29098216-T-C.
Identifiers: ClinVar variation 1095491 (VCV001095491.10), dbSNP rs1173265371, ClinGen allele CA503596323.
Genomic context (GRCh38, chr18:31,518,253, plus strand): 5'-AATTGAGCAGTAAATTGGCTAAATATCAAATAATTTTATTTTACAGATCTGCTTTAACGT[T>C]GGAAGTGGACTTCACTTACAGGTGAGGAAACAAAGGGATTATTTCTGCCTTCTGACTCAG-3'
Protein context (NP_001934.2, residues 10-30): ALLLLLICFN[Val20=]GSGLHLQVLS

ClinVar aggregate classification (germline): Likely benign. Review status: criteria provided, multiple submitters, no conflicts (2 of 4 stars). 2 submissions from 2 submitters: Likely benign (2). Last evaluated 2023-11-30.

Conditions:
Arrhythmogenic right ventricular cardiomyopathy (ARVD). Also called: Cardiomyopathy, ARVC; Arrhythmogenic right ventricular dysplasia; Arrhythmogenic cardiomyopathy; Arrhythmogenic Right Ventricular Cardiomyopathy (ARVC). Identifiers: Orphanet 247, MedGen C0349788, MeSH D019571, MONDO:0016587. Disease mechanism: loss of function. Inheritance: Various modes of inheritance.
Arrhythmogenic right ventricular dysplasia 10. Also called: Arrhythmogenic Right Ventricular Dysplasia/Cardiomyopathy10; ARRHYTHMOGENIC RIGHT VENTRICULAR DYSPLASIA, FAMILIAL, 10; Arrhythmogenic right ventricular dysplasia/cardiomyopathy, type 10. Identifiers: MedGen C1857777, MONDO:0012434, OMIM 610193.

Allele frequency attached by ClinVar (database versions not stated): gnomAD exomes below 0.00001.
gnomAD v4.1: 7 of 1,613,356 alleles (0.00043%); highest among the groups gnomAD compares: Non-Finnish European, 0.00025%; no homozygotes.

Submissions (2):

All of Us Research Program, National Institutes of Health
Classification: Likely benign for Arrhythmogenic right ventricular cardiomyopathy. Last evaluated: 2023-11-30. Review status: criteria provided, single submitter. Criteria: ACMG Guidelines, 2015. Collection method: clinical testing. Allele origin: germline. Inheritance: Autosomal dominant inheritance. Observed: 2 variant alleles, 2 heterozygotes.
Comment: This study involves interpretation of variants in research participants for the purpose of population health screening. Participant phenotype was not available at the time of variant classification. Additional details can be found in publication PMID: 35346344, PMCID: PMC8962531

Labcorp Genetics (formerly Invitae), Labcorp
Classification: Likely benign for Arrhythmogenic right ventricular dysplasia 10. Last evaluated: 2021-07-04. Review status: criteria provided, single submitter. Criteria: Invitae Variant Classification Sherloc (09022015). Collection method: clinical testing. Allele origin: germline.